The following is an entry in ClinVar:

ClinVar aggregate classification (germline): Uncertain significance (1 of 4 stars; one submission).

Allele frequency attached by ClinVar (database versions not stated): gnomAD 0.00001; gnomAD exomes 0.00001; TOPMed 0.00004; ExAC 0.00006.
gnomAD v4.1: 10 of 1,613,538 alleles (0.00062%); highest among the groups gnomAD compares: East Asian, 0.02%; no homozygotes.

Submission:

Labcorp Genetics (formerly Invitae), Labcorp
Classification: Uncertain significance. Last evaluated: 2022-11-07. Review status: criteria provided, single submitter. Criteria: Invitae Variant Classification Sherloc (09022015). Collection method: clinical testing. Allele origin: germline.
Comment: In summary, the available evidence is currently insufficient to determine the role of this variant in disease. Therefore, it has been classified as a Variant of Uncertain Significance. Algorithms developed to predict the effect of sequence changes on RNA splicing suggest that this variant may disrupt the consensus splice site. Advanced modeling of protein sequence and biophysical properties (such as structural, functional, and spatial information, amino acid conservation, physicochemical variation, residue mobility, and thermodynamic stability) performed at Invitae indicates that this missense variant is not expected to disrupt MYH7B protein function. This missense change has been observed in individual(s) with hypertrophic cardiomyopathy (PMID: 32207065). This variant is present in population databases (rs772069630, gnomAD 0.1%), and has an allele count higher than expected for a pathogenic variant. This sequence change replaces alanine, which is neutral and non-polar, with threonine, which is neutral and polar, at codon 1866 of the MYH7B protein (p.Ala1866Thr).

Literature cited by the submitters: PubMed 32207065.

NM_020884.7(MYH7B):c.5470G>A (p.Ala1824Thr)

Gene: MYH7B (myosin heavy chain 7B; plus strand). Cytogenetic location: 20q11.22.
Variant type: single nucleotide variant.
Coding change: c.5470G>A on transcript NM_020884.7 (MANE Select); coding-DNA position 5470, G replaced by A.
Protein change: p.Ala1824Thr; replaces alanine 1824 with threonine.
Molecular consequence: missense variant.
Genome position (GRCh38, 1-based): chr20:35,001,153, G>A. VCF-style: chr20-35001153-G-A. GRCh37 (hg19) VCF-style: chr20-33588956-G-A.
Other names: short protein forms A1824T.
Identifiers: ClinVar variation 1918224 (VCV001918224.5), dbSNP rs772069630, ClinGen allele CA9828570.